The following is an entry in ClinVar:

ClinVar aggregate classification (germline): Uncertain significance (1 of 4 stars; one submission).

Conditions:
Early-infantile DEE. Also called: Ohtahara syndrome; Early infantile epileptic encephalopathy with suppression bursts; Early infantile epileptic encephalopathy. Identifiers: Orphanet 1934, MedGen C0393706, MONDO:0800491.

Allele frequency attached by ClinVar (database versions not stated): gnomAD 0.00001; TOPMed 0.00002; ExAC 0.00003; gnomAD exomes 0.00001.
gnomAD v4.1: 17 of 1,614,084 alleles (0.0011%); highest among the groups gnomAD compares: South Asian, 0.0044%; no homozygotes.

Submission:

Labcorp Genetics (formerly Invitae), Labcorp
Classification: Uncertain significance for Early-infantile DEE. Last evaluated: 2023-11-13. Review status: criteria provided, single submitter. Criteria: Invitae Variant Classification Sherloc (09022015). Collection method: clinical testing. Allele origin: germline.
Comment: This sequence change replaces leucine, which is neutral and non-polar, with arginine, which is basic and polar, at codon 35 of the SPTAN1 protein (p.Leu35Arg). This variant is present in population databases (rs748879524, gnomAD 0.05%). This variant has not been reported in the literature in individuals affected with SPTAN1-related conditions. Advanced modeling of protein sequence and biophysical properties (such as structural, functional, and spatial information, amino acid conservation, physicochemical variation, residue mobility, and thermodynamic stability) has been performed at Invitae for this missense variant, however the output from this modeling did not meet the statistical confidence thresholds required to predict the impact of this variant on SPTAN1 protein function. In summary, the available evidence is currently insufficient to determine the role of this variant in disease. Therefore, it has been classified as a Variant of Uncertain Significance.

NM_001130438.3(SPTAN1):c.104T>G (p.Leu35Arg)

Gene: SPTAN1 (spectrin alpha, non-erythrocytic 1; plus strand). Cytogenetic location: 9q34.11.
Variant type: single nucleotide variant.
Coding change: c.104T>G on transcript NM_001130438.3 (MANE Select); coding-DNA position 104, T replaced by G.
Protein change: p.Leu35Arg; replaces leucine 35 with arginine.
Molecular consequence: missense variant.
Genome position (GRCh38, 1-based): chr9:128,566,844, T>G. VCF-style: chr9-128566844-T-G. GRCh37 (hg19) VCF-style: chr9-131329123-T-G.
Other names: c.104T>G, p.Leu35Arg (NM_001195532.2, NM_001363759.2, NM_001363765.2 and 5 more transcripts); c.140T>G, p.Leu47Arg (NM_001375312.2, NM_001375318.1); short protein forms L35R, L47R.
Identifiers: ClinVar variation 2896342 (VCV002896342.3), dbSNP rs748879524, ClinGen allele CA5264104.
Genomic context (GRCh38, chr9:128,566,844, plus strand): 5'-TCCAGGAGAGGCGGCAGCAGGTCCTAGACCGATACCACCGCTTCAAGGAACTCTCAACCC[T>G]TAGGCGTCAGAAGCTGGAAGATTCCTATCGATTCCAGTTCTTTCAAAGAGATGCTGAAGA-3'
Protein context (NP_001123910.1, residues 25-45): RYHRFKELST[Leu35Arg]RRQKLEDSYR